The following is an entry in ClinVar:

ClinVar aggregate classification (germline): Uncertain significance (1 of 4 stars; one submission).

Conditions:
Cardiovascular phenotype. Identifiers: MedGen CN230736.

gnomAD v4.1: 3 of 1,211,494 alleles (0.00025%); highest among the groups gnomAD compares: South Asian, 0.0035%; no homozygotes.

Submission:

Ambry Genetics
Classification: Uncertain significance for Cardiovascular phenotype. Last evaluated: 2025-10-07. Review status: criteria provided, single submitter. Criteria: Ambry Variant Classification Scheme 2023. Collection method: clinical testing. Allele origin: germline.
Comment: The p.N201S variant (also known as c.602A>G), located in coding exon 7 of the DMD gene, results from an A to G substitution at nucleotide position 602. The asparagine at codon 201 is replaced by serine, an amino acid with highly similar properties. This amino acid position is well conserved in available vertebrate species. In addition, this alteration is predicted to be tolerated by in silico analysis. Based on the available evidence, the clinical significance of this variant remains unclear.

NM_004006.3(DMD):c.602A>G (p.Asn201Ser)

Gene: DMD (dystrophin; minus strand). Cytogenetic location: Xp21.1.
Variant type: single nucleotide variant.
Coding change: c.602A>G on transcript NM_004006.3 (MANE Select); coding-DNA position 602, A replaced by G.
Protein change: p.Asn201Ser; replaces asparagine 201 with serine.
Molecular consequence: missense variant.
Genome position (GRCh38, 1-based): chrX:32,809,540, T>C on the plus strand (A>G on the coding strand, the complement: DMD is on the minus strand). VCF-style: chrX-32809540-T-C. GRCh37 (hg19) VCF-style: chrX-32827657-T-C.
Other names: c.578A>G, p.Asn193Ser (NM_000109.4); c.590A>G, p.Asn197Ser (NM_004009.3); c.233A>G, p.Asn78Ser (NM_004010.3); short protein forms N201S, N78S, N197S, N193S.
Identifiers: ClinVar variation 4613970 (VCV004613970.1).
Genomic context (GRCh38, chrX:32,809,540, plus strand): 5'-GAAATTTACCAACCTTCAGGATCGAGTAGTTTCTCTATGCCTAATTGATATCTGGCGATG[T>C]TGAATGCATGTTCCAGTCGTTGTGTGGCTGACTGCTGGCAAACCACACTATTCCAGTCAA-3'
Protein context (NP_003997.2, residues 191-211): SATQRLEHAF[Asn201Ser]IARYQLGIEK